The following is an entry in ClinVar:

ClinVar aggregate classification (germline): Uncertain significance. Review status: criteria provided, multiple submitters, no conflicts (2 of 4 stars). 5 submissions from 5 submitters: Uncertain significance (5). Last evaluated 2024-03-06.

Conditions:
Cardiovascular phenotype. Identifiers: MedGen CN230736.
Cardiomyopathy (CMYO). Also called: Cardiomyopathies. Identifiers: Orphanet 167848, MedGen C0878544, MONDO:0004994, HP:0001638. Inheritance: Various modes of inheritance.
Arrhythmogenic cardiomyopathy with wooly hair and keratoderma. Also called: PALMOPLANTAR KERATODERMA WITH LEFT VENTRICULAR CARDIOMYOPATHY AND WOOLLY HAIR; Carvajal syndrome; Arrhythmogenic cardiomyopathy with woolly hair and keratoderma; Dilated cardiomyopathy with woolly hair and keratoderma. Identifiers: Orphanet 65282, MedGen C1854063, MONDO:0011581, OMIM 605676.
Arrhythmogenic right ventricular dysplasia 8 (ARVD8). Also called: Arrhythmogenic Right Ventricular Dysplasia/Cardiomyopathy 8; ARRHYTHMOGENIC RIGHT VENTRICULAR DYSPLASIA, FAMILIAL, 8; ARRHYTHMOGENIC RIGHT VENTRICULAR CARDIOMYOPATHY 8. Identifiers: MedGen C1843896, MONDO:0011831, OMIM 607450.
Arrhythmogenic right ventricular cardiomyopathy (ARVD). Also called: Cardiomyopathy, ARVC; Arrhythmogenic right ventricular dysplasia; Arrhythmogenic cardiomyopathy; Arrhythmogenic Right Ventricular Cardiomyopathy (ARVC). Identifiers: Orphanet 247, MedGen C0349788, MeSH D019571, MONDO:0016587. Disease mechanism: loss of function. Inheritance: Various modes of inheritance.

Submissions (5):

Color Diagnostics, LLC DBA Color Health
Classification: Uncertain significance for Cardiomyopathy. Last evaluated: 2024-03-06. Review status: criteria provided, single submitter. Criteria: ACMG Guidelines, 2015. Collection method: clinical testing. Allele origin: germline.
Comment: This missense variant replaces leucine with phenylalanine at codon 2443 of the DSP protein. Computational prediction suggests that this variant may not impact protein structure and function (internally defined REVEL score threshold <= 0.5, PMID: 27666373). To our knowledge, functional studies have not been reported for this variant. This variant has not been reported in individuals affected with cardiovascular disorders in the literature. This variant has not been identified in the general population by the Genome Aggregation Database (gnomAD). The available evidence is insufficient to determine the role of this variant in disease conclusively. Therefore, this variant is classified as a Variant of Uncertain Significance.

All of Us Research Program, National Institutes of Health
Classification: Uncertain significance for Arrhythmogenic cardiomyopathy with wooly hair and keratoderma. Last evaluated: 2023-07-07. Review status: criteria provided, single submitter. Criteria: ACMG Guidelines, 2015. Collection method: clinical testing. Allele origin: germline. Inheritance: Autosomal dominant inheritance. Observed: 1 variant allele, 1 heterozygote.
Comment: This study involves interpretation of variants in research participants for the purpose of population health screening. Participant phenotype was not available at the time of variant classification. Additional details can be found in publication PMID: 35346344, PMCID: PMC8962531

Labcorp Genetics (formerly Invitae), Labcorp
Classification: Uncertain significance for Arrhythmogenic cardiomyopathy with wooly hair and keratoderma; Arrhythmogenic right ventricular dysplasia 8. Last evaluated: 2021-11-25. Review status: criteria provided, single submitter. Criteria: Invitae Variant Classification Sherloc (09022015). Collection method: clinical testing. Allele origin: germline.
Comment: In summary, the available evidence is currently insufficient to determine the role of this variant in disease. Therefore, it has been classified as a Variant of Uncertain Significance. Algorithms developed to predict the effect of missense changes on protein structure and function are either unavailable or do not agree on the potential impact of this missense change (SIFT: "Deleterious"; PolyPhen-2: "Probably Damaging"; Align-GVGD: "Class C15"). ClinVar contains an entry for this variant (Variation ID: 218635). This variant has not been reported in the literature in individuals affected with DSP-related conditions. This variant is not present in population databases (gnomAD no frequency). This sequence change replaces leucine, which is neutral and non-polar, with phenylalanine, which is neutral and non-polar, at codon 2443 of the DSP protein (p.Leu2443Phe).

Ambry Genetics
Classification: Uncertain significance for Cardiovascular phenotype. Last evaluated: 2019-06-18. Review status: criteria provided, single submitter. Criteria: Ambry Variant Classification Scheme 2023. Collection method: clinical testing. Allele origin: germline.
Comment: The p.L2443F variant (also known as c.7327C>T), located in coding exon 24 of the DSP gene, results from a C to T substitution at nucleotide position 7327. The leucine at codon 2443 is replaced by phenylalanine, an amino acid with highly similar properties. This amino acid position is highly conserved in available vertebrate species. In addition, the in silico prediction for this alteration is inconclusive. Since supporting evidence is limited at this time, the clinical significance of this alteration remains unclear.

Genomic Diagnostic Laboratory, Division of Genomic Diagnostics, Children's Hospital of Philadelphia
Classification: Uncertain significance for Arrhythmogenic right ventricular cardiomyopathy. Last evaluated: 2015-03-25. Review status: criteria provided, single submitter. Criteria: DGD Variant Analysis Guidelines. Collection method: clinical testing. Allele origin: unknown.

NM_004415.4(DSP):c.7327C>T (p.Leu2443Phe)

Gene: DSP (desmoplakin; plus strand). Cytogenetic location: 6p24.3.
Variant type: single nucleotide variant.
Coding change: c.7327C>T on transcript NM_004415.4 (MANE Select); coding-DNA position 7327, C replaced by T.
Protein change: p.Leu2443Phe; replaces leucine 2443 with phenylalanine.
Molecular consequence: missense variant.
Genome position (GRCh38, 1-based): chr6:7,584,589, C>T. VCF-style: chr6-7584589-C-T. GRCh37 (hg19) VCF-style: chr6-7584822-C-T.
Other names: c.7327C>T (LRG_423t1); c.5530C>T, p.Leu1844Phe (NM_001008844.3); c.5998C>T, p.Leu2000Phe (NM_001319034.2); short protein forms L2443F, L1844F, L2000F.
Identifiers: ClinVar variation 218635 (VCV000218635.12), dbSNP rs864309585, ClinGen allele CA277886.